The following is an entry in ClinVar:

ClinVar aggregate classification (germline): Uncertain significance. Review status: criteria provided, multiple submitters, no conflicts (2 of 4 stars). 5 submissions from 5 submitters: Uncertain significance (5). Last evaluated 2025-08-28.

Conditions:
Spermatogenic failure 72 (SPGF72). Identifiers: MedGen C5676980, MONDO:0030809, OMIM 619867.
Asphyxiating thoracic dystrophy 5 (SRTD5). Also called: SHORT-RIB THORACIC DYSPLASIA 5 WITH OR WITHOUT POLYDACTYLY; SHORT-RIB THORACIC DYSPLASIA 5 WITHOUT POLYDACTYLY. Identifiers: Orphanet 474, MedGen C3280598, MONDO:0013717, OMIM 614376.
Nephronophthisis 13 (NPHP13). Identifiers: Orphanet 655, MedGen C3280612, MONDO:0013718, OMIM 614377.
Cranioectodermal dysplasia 4 (CED4). Identifiers: Orphanet 1515, MedGen C3280616, MONDO:0013719, OMIM 614378.
Senior-Loken syndrome 8 (SLSN8). Identifiers: Orphanet 3156, MedGen C4225376, MONDO:0014579, OMIM 616307.
Inborn genetic diseases. Identifiers: MedGen C0950123, MeSH D030342.

Allele frequency attached by ClinVar (database versions not stated): ExAC 0.00003; gnomAD exomes 0.00005 and 0.00013; TOPMed 0.00005; gnomAD 0.00006 and 0.00007; ESP Exome Variant Server 0.00017; 1000 Genomes Project 30x 0.00031; 1000 Genomes Project 0.00040.
gnomAD v4.1: 192 of 1,610,882 alleles (0.012%); highest among the groups gnomAD compares: Non-Finnish European, 0.015%; 1 homozygote.

Submissions (5):

Ambry Genetics
Classification: Uncertain significance for Inborn genetic diseases. Last evaluated: 2025-08-28. Review status: criteria provided, single submitter. Criteria: Ambry Variant Classification Scheme 2023. Collection method: clinical testing. Allele origin: germline.

Blueprint Genetics
Classification: Uncertain significance. Last evaluated: 2024-11-06. Review status: criteria provided, single submitter. Criteria: ACMG Guidelines, 2015. Collection method: clinical testing. Allele origin: germline.

Mayo Clinic Laboratories, Mayo Clinic
Classification: Uncertain significance. Last evaluated: 2024-05-07. Review status: criteria provided, single submitter. Criteria: ACMG Guidelines, 2015. Collection method: clinical testing. Allele origin: germline. Observed: 1 variant allele.
Comment: PP3

Fulgent Genetics
Classification: Uncertain significance for Asphyxiating thoracic dystrophy 5; Nephronophthisis 13; Cranioectodermal dysplasia 4; Senior-Loken syndrome 8; Spermatogenic failure 72. Last evaluated: 2024-04-02. Review status: criteria provided, single submitter. Criteria: ACMG Guidelines, 2015. Collection method: clinical testing. Allele origin: germline.

Labcorp Genetics (formerly Invitae), Labcorp
Classification: Uncertain significance for Senior-Loken syndrome 8; Asphyxiating thoracic dystrophy 5. Last evaluated: 2022-06-03. Review status: criteria provided, single submitter. Criteria: Invitae Variant Classification Sherloc (09022015). Collection method: clinical testing. Allele origin: germline.
Comment: This sequence change replaces isoleucine, which is neutral and non-polar, with threonine, which is neutral and polar, at codon 281 of the WDR19 protein (p.Ile281Thr). This variant is present in population databases (rs369657594, gnomAD 0.009%). This variant has not been reported in the literature in individuals affected with WDR19-related conditions. ClinVar contains an entry for this variant (Variation ID: 958932). Algorithms developed to predict the effect of missense changes on protein structure and function are either unavailable or do not agree on the potential impact of this missense change (SIFT: "Deleterious"; PolyPhen-2: "Benign"; Align-GVGD: "Class C25"). In summary, the available evidence is currently insufficient to determine the role of this variant in disease. Therefore, it has been classified as a Variant of Uncertain Significance.

NM_025132.4(WDR19):c.842T>C (p.Ile281Thr)

Gene: WDR19 (WD repeat domain 19; plus strand). Cytogenetic location: 4p14.
Variant type: single nucleotide variant.
Coding change: c.842T>C on transcript NM_025132.4 (MANE Select); coding-DNA position 842, T replaced by C.
Protein change: p.Ile281Thr; replaces isoleucine 281 with threonine.
Molecular consequence: missense variant.
Genome position (GRCh38, 1-based): chr4:39,205,688, T>C. VCF-style: chr4-39205688-T-C. GRCh37 (hg19) VCF-style: chr4-39207308-T-C.
Other names: p.Ile281Thr; c.362T>C, p.Ile121Thr (NM_001317924.2); short protein forms I121T, I281T.
Identifiers: ClinVar variation 958932 (VCV000958932.10), dbSNP rs369657594, ClinGen allele CA2891715.